The following is an entry in ClinVar:

NC_000005.9:g.(?_161520814)_(161531052_?)del

Gene: GABRG2 (gamma-aminobutyric acid type A receptor subunit gamma2; plus strand). Cytogenetic location: 5q34.
Variant type: Deletion.
Identifiers: ClinVar variation 3246366 (VCV003246366.1).

ClinVar aggregate classification (germline): Pathogenic (1 of 4 stars; one submission).

Conditions:
Febrile seizures, familial, 8 (FEB8). Also called: CONVULSIONS, FAMILIAL FEBRILE, 8. Identifiers: Orphanet 36387, MedGen C1969810, MONDO:0011891, OMIM 607681.
EPILEPSY, CHILDHOOD ABSENCE, SUSCEPTIBILITY TO, 2 (ECA2). Identifiers: Orphanet 64280, MedGen C1843244, OMIM 607681.

Submission:

Labcorp Genetics (formerly Invitae), Labcorp
Classification: Pathogenic for Febrile seizures, familial, 8; EPILEPSY, CHILDHOOD ABSENCE, SUSCEPTIBILITY TO, 2. Last evaluated: 2023-04-06. Review status: criteria provided, single submitter. Criteria: Invitae Variant Classification Sherloc (09022015). Collection method: clinical testing. Allele origin: unknown.
Comment: For these reasons, this variant has been classified as Pathogenic. This variant has not been reported in the literature in individuals affected with GABRG2-related conditions. This variant is a gross deletion of the genomic region encompassing exon(s) 2-6 of the GABRG2 gene. This deletion is out-of-frame, and is expected to create a premature termination codon and result in an absent or disrupted protein product. Loss-of-function variants in GABRG2 are known to be pathogenic (PMID: 22539854, 22750526, 24407264).

Literature cited by the submitters: PubMed 22539854; PubMed 22750526; PubMed 24407264.